The following is an entry in ClinVar:

ClinVar aggregate classification (germline): Uncertain significance (1 of 4 stars; one submission).

Conditions:
Hyper-IgM syndrome type 1. Also called: Hyper-IgM Immunodeficiency Syndrome, Type 1; CD40 Ligand Deficiency; X-linked hyper-IgM syndrome; Immunodeficiency, X-linked, with hyper-IgM. Identifiers: Orphanet 101088, MedGen C0398689, MONDO:0010626, OMIM 308230.

gnomAD v4.1: 5 of 1,200,212 alleles (0.00042%); highest among the groups gnomAD compares: Non-Finnish European, 0.00056%; no homozygotes.

Submission:

Labcorp Genetics (formerly Invitae), Labcorp
Classification: Uncertain significance for Hyper-IgM syndrome type 1. Last evaluated: 2020-02-18. Review status: criteria provided, single submitter. Criteria: Invitae Variant Classification Sherloc (09022015). Collection method: clinical testing. Allele origin: germline.
Comment: This sequence change replaces leucine with valine at codon 17 of the CD40LG protein (p.Leu17Val). The leucine residue is weakly conserved and there is a small physicochemical difference between leucine and valine. This variant is not present in population databases (ExAC no frequency). This variant has not been reported in the literature in individuals with CD40LG-related conditions. Algorithms developed to predict the effect of missense changes on protein structure and function (SIFT, PolyPhen-2, Align-GVGD) all suggest that this variant is likely to be tolerated, but these predictions have not been confirmed by published functional studies and their clinical significance is uncertain. In summary, the available evidence is currently insufficient to determine the role of this variant in disease. Therefore, it has been classified as a Variant of Uncertain Significance.

NM_000074.3(CD40LG):c.49C>G (p.Leu17Val)

Gene: CD40LG (CD40 ligand; plus strand). Cytogenetic location: Xq26.3.
Variant type: single nucleotide variant.
Coding change: c.49C>G on transcript NM_000074.3 (MANE Select); coding-DNA position 49, C replaced by G.
Protein change: p.Leu17Val; replaces leucine 17 with valine.
Molecular consequence: missense variant.
Genome position (GRCh38, 1-based): chrX:136,648,297, C>G. VCF-style: chrX-136648297-C-G. GRCh37 (hg19) VCF-style: chrX-135730456-C-G.
Other names: short protein forms L17V.
Identifiers: ClinVar variation 1024336 (VCV001024336.10), dbSNP rs1359082888, ClinGen allele CA414751583.